The following is an entry in ClinVar:

ClinVar aggregate classification (germline): Uncertain significance (1 of 4 stars; one submission).

Conditions:
Aicardi-Goutieres syndrome 2. Identifiers: Orphanet 51, MedGen C3489724, MONDO:0012429, OMIM 610181.

Submission:

Myriad Genetics, Inc.
Classification: Uncertain significance for Aicardi-Goutieres syndrome 2. Last evaluated: 2025-10-17. Review status: criteria provided, single submitter. Criteria: Myriad Autosomal Dominant, Autosomal Recessive and X-Linked Classification Criteria (2023). Collection method: clinical testing. Allele origin: unknown.
Comment: NM_024570.3(RNASEH2B):c.872_874delAGA(K291del) is an in-frame deletion classified as a variant of uncertain significance in the context of Aicardi-Goutires syndrome, RNASEH2B-related. K291del has not been observed in cases with relevant disease. Relevant functional assessments of this variant are not available in the literature. K291del has not been observed in referenced population frequency databases. In summary, there is insufficient evidence to classify NM_024570.3(RNASEH2B):c.872_874delAGA(K291del) as pathogenic or benign. Please note: this variant was assessed in the context of healthy population screening.

NM_024570.4(RNASEH2B):c.872_874del (p.Lys291del)

Gene: RNASEH2B (ribonuclease H2 subunit B; plus strand). Cytogenetic location: 13q14.3.
Variant type: Deletion.
Coding change: c.872_874del on transcript NM_024570.4 (MANE Select); coding-DNA positions 872 to 874, 3 bases deleted (AGA; older notation c.872_874delAGA).
Protein change: p.Lys291del; deletes lysine 291.
Molecular consequence: inframe deletion. On other transcripts: intron variant (2).
Genome position (GRCh38, 1-based): chr13:50,956,407-50,956,409, AGA deleted; deleting any 3 consecutive bases within chr13:50,956,406-50,956,409 gives the same sequence; the c. name uses the placement nearest the transcript's 3' end. VCF-style (leftmost placement, unchanged base first): chr13-50956405-CAAG-C. GRCh37 (hg19) VCF-style: chr13-51530541-CAAG-C.
Other names: c.741+6902_741+6904del (NM_001142279.2); c.742-3738_742-3736del (NM_001411023.1); short protein forms K291del.
Identifiers: ClinVar variation 5004230 (VCV005004230.1).